The following is an entry in ClinVar:

Conditions:
Breast-ovarian cancer, familial, susceptibility to, 1 (BROVCA1). Also called: BRCA1 Hereditary Breast and Ovarian Cancer; OVARIAN CANCER, SUSCEPTIBILITY TO. Identifiers: Orphanet 145, MedGen C2676676, MONDO:0011450, OMIM 604370. Disease mechanism: loss of function.

Submission:

Brotman Baty Institute, University of Washington
No classification provided (evidence only). Condition: Breast-ovarian cancer, familial 1. Review status: no classification provided. Collection method: in vitro. Allele origin: not applicable. Functional consequence: functionally_normal.
ClinVar note: "not provided" was previously submitted as the classification for the variant. However, the classification appeared to be based only on an observation of functional data so it was converted to no classification on 2025-07-30.

NM_007294.4(BRCA1):c.5074+9A>T

Gene: BRCA1 (BRCA1 DNA repair associated; minus strand). Cytogenetic location: 17q21.31.
Variant type: single nucleotide variant.
Coding change: c.5074+9A>T on transcript NM_007294.4 (MANE Select); 9 bases into the intron after coding-DNA position 5074, A replaced by T.
Molecular consequence: intron variant.
Genome position (GRCh38, 1-based): chr17:43,067,599, T>A on the plus strand (A>T on the coding strand, the complement: BRCA1 is on the minus strand). VCF-style: chr17-43067599-T-A. GRCh37 (hg19) VCF-style: chr17-41219616-T-A.
Other names: c.1621+9A>T (NM_001408458.1, NM_001408461.1, NM_001408464.1 and 7 more transcripts); c.4183+9A>T (NM_001407967.1); c.4693+9A>T (NM_001407959.1); c.4807+9A>T (NM_001407931.1, NM_001407932.1, NM_001407928.1 and 4 more transcripts); c.4930+9A>T (NM_001407747.1, NM_001407745.1, NM_001407737.1 and 21 more transcripts); c.4690+9A>T (NM_001407962.1, NM_001407960.1); c.1261+9A>T (NM_001408512.1); c.1384+9A>T (NM_001408510.1); and 71 more.
Identifiers: ClinVar variation 868996 (VCV000868996.3), dbSNP rs2052153659, ClinGen allele CA916080146.